The following is an entry in ClinVar:

NM_144997.7(FLCN):c.443A>G (p.His148Arg)

Gene: FLCN (folliculin; minus strand). Cytogenetic location: 17p11.2.
Variant type: single nucleotide variant.
Coding change: c.443A>G on transcript NM_144997.7 (MANE Select); coding-DNA position 443, A replaced by G.
Protein change: p.His148Arg; replaces histidine 148 with arginine.
Molecular consequence: missense variant.
Genome position (GRCh38, 1-based): chr17:17,224,097, T>C on the plus strand (A>G on the coding strand, the complement: FLCN is on the minus strand). VCF-style: chr17-17224097-T-C. GRCh37 (hg19) VCF-style: chr17-17127411-T-C.
Other names: c.497A>G, p.His166Arg (NM_001353229.2); c.443A>G, p.His148Arg (NM_001353230.2, NM_001353231.2, NM_144606.7); short protein forms H148R, H166R.
Identifiers: ClinVar variation 3229252 (VCV003229252.1), dbSNP rs2144981292, ClinGen allele CA398534551.
Genomic context (GRCh38, chr17:17,224,097, plus strand): 5'-CGCTGGAAGCCCCTGGCCAGGCTGTCCTTGATGAAGAAGGTGTGGCTGAACACAAAGCCG[T>C]GCTGCTCATCTCCGAAGAAGATGGGGCCTTCACGGCCAGGGCAGACCTGGAGGGACACCG-3'
Protein context (NP_659434.2, residues 138-158): EGPIFFGDEQ[His148Arg]GFVFSHTFFI

ClinVar aggregate classification (germline): Uncertain significance (1 of 4 stars; one submission).

Conditions:
Hereditary cancer-predisposing syndrome. Also called: Neoplastic Syndromes, Hereditary; Tumor predisposition; Hereditary neoplastic syndrome; Hereditary Cancer Syndrome. Identifiers: Orphanet 140162, MedGen C0027672, MeSH D009386, MONDO:0015356.

Submission:

Ambry Genetics
Classification: Uncertain significance for Hereditary cancer-predisposing syndrome. Last evaluated: 2022-05-05. Review status: criteria provided, single submitter. Criteria: Ambry Variant Classification Scheme 2023. Collection method: clinical testing. Allele origin: germline.
Comment: The p.H148R variant (also known as c.443A>G), located in coding exon 3 of the FLCN gene, results from an A to G substitution at nucleotide position 443. The histidine at codon 148 is replaced by arginine, an amino acid with highly similar properties. This amino acid position is conserved. In addition, the in silico prediction for this alteration is inconclusive. Since supporting evidence is limited at this time, the clinical significance of this alteration remains unclear.